The following is an entry in ClinVar:

NM_000257.4(MYH7):c.1297G>A (p.Glu433Lys)

Gene: MYH7 (myosin heavy chain 7; minus strand). Cytogenetic location: 14q11.2.
Variant type: single nucleotide variant.
Coding change: c.1297G>A on transcript NM_000257.4 (MANE Select); coding-DNA position 1297, G replaced by A.
Protein change: p.Glu433Lys; replaces glutamic acid 433 with lysine.
Molecular consequence: missense variant.
Genome position (GRCh38, 1-based): chr14:23,429,065, C>T on the plus strand (G>A on the coding strand, the complement: MYH7 is on the minus strand). VCF-style: chr14-23429065-C-T. GRCh37 (hg19) VCF-style: chr14-23898274-C-T.
Other names: c.1297G>A, p.Glu433Lys (NM_001407004.1); short protein forms E433K.
Identifiers: ClinVar variation 4758992 (VCV004758992.2).

ClinVar aggregate classification (germline): Uncertain significance. Review status: criteria provided, multiple submitters, no conflicts (2 of 4 stars). 2 submissions from 2 submitters: Uncertain significance (2). Last evaluated 2025-07-28.

Conditions:
Cardiomyopathy (CMYO). Also called: Cardiomyopathies. Identifiers: Orphanet 167848, MedGen C0878544, MONDO:0004994, HP:0001638. Inheritance: Various modes of inheritance.

gnomAD v4.1: 13 of 1,614,212 alleles (0.00081%); highest among the groups gnomAD compares: Non-Finnish European, 0.00093%; no homozygotes.

Submissions (2):

Color Diagnostics, LLC DBA Color Health
Classification: Uncertain significance for Cardiomyopathy. Last evaluated: 2025-07-28. Review status: criteria provided, single submitter. Criteria: ACMG Guidelines, 2015. Collection method: clinical testing. Allele origin: germline.
Comment: This missense variant replaces glutamic acid with lysine at codon 433 of the MYH7 protein. Computational prediction suggests that this variant may have deleterious impact on protein structure and function. To our knowledge, functional studies have not been reported for this variant. This variant has not been reported in individuals affected with MYH7-related disorders in the literature. This variant has been identified in 1/251492 chromosomes in the general population by the Genome Aggregation Database (gnomAD). The available evidence is insufficient to determine the role of this variant in disease conclusively. Therefore, this variant is classified as a Variant of Uncertain Significance.

Blueprint Genetics
Classification: Uncertain significance. Last evaluated: 2021-06-22. Review status: criteria provided, single submitter. Criteria: ACMG Guidelines, 2015. Collection method: clinical testing. Allele origin: germline.